The following is an entry in ClinVar:

ClinVar aggregate classification (germline): Uncertain significance. Review status: criteria provided, multiple submitters, no conflicts (2 of 4 stars). 2 submissions from 2 submitters: Uncertain significance (2). Last evaluated 2022-06-27.

Conditions:
Retinal cone dystrophy 4 (RCD4). Identifiers: Orphanet 1872, MedGen C1864849, MONDO:0012507, OMIM 610478.

Allele frequency attached by ClinVar (database versions not stated): gnomAD 0.00001 and 0.00002; ExAC 0.00002; TOPMed 0.00002; gnomAD exomes 0.00003; 1000 Genomes Project 30x 0.00016; 1000 Genomes Project 0.00020.
gnomAD v4.1: 26 of 1,613,686 alleles (0.0016%); highest among the groups gnomAD compares: South Asian, 0.0044%; no homozygotes.

Submissions (2):

Labcorp Genetics (formerly Invitae), Labcorp
Classification: Uncertain significance. Last evaluated: 2022-06-27. Review status: criteria provided, single submitter. Criteria: Invitae Variant Classification Sherloc (09022015). Collection method: clinical testing. Allele origin: germline.
Comment: This sequence change replaces glycine, which is neutral and non-polar, with serine, which is neutral and polar, at codon 85 of the CACNA2D4 protein (p.Gly85Ser). This variant is present in population databases (rs555700156, gnomAD 0.006%). In summary, the available evidence is currently insufficient to determine the role of this variant in disease. Therefore, it has been classified as a Variant of Uncertain Significance. Algorithms developed to predict the effect of missense changes on protein structure and function (SIFT, PolyPhen-2, Align-GVGD) all suggest that this variant is likely to be tolerated. ClinVar contains an entry for this variant (Variation ID: 883683). This variant has not been reported in the literature in individuals affected with CACNA2D4-related conditions.

Illumina Laboratory Services, Illumina
Classification: Uncertain significance for Retinal cone dystrophy 4. Last evaluated: 2017-04-27. Review status: criteria provided, single submitter. Criteria: ICSL Variant Classification Criteria 13 December 2019. Collection method: clinical testing. Allele origin: germline.

NM_172364.5(CACNA2D4):c.253G>A (p.Gly85Ser)

Gene: CACNA2D4 (calcium voltage-gated channel auxiliary subunit alpha2delta 4; minus strand). Cytogenetic location: 12p13.33.
Variant type: single nucleotide variant.
Coding change: c.253G>A on transcript NM_172364.5 (MANE Select); coding-DNA position 253, G replaced by A.
Protein change: p.Gly85Ser; replaces glycine 85 with serine.
Molecular consequence: missense variant.
Genome position (GRCh38, 1-based): chr12:1,914,910, C>T on the plus strand (G>A on the coding strand, the complement: CACNA2D4 is on the minus strand). VCF-style: chr12-1914910-C-T. GRCh37 (hg19) VCF-style: chr12-2024076-C-T.
Other names: short protein forms G85S.
Identifiers: ClinVar variation 883683 (VCV000883683.8), dbSNP rs555700156, ClinGen allele CA6387603.